The following is an entry in ClinVar:

ClinVar aggregate classification (germline): Pathogenic (1 of 4 stars; one submission).

Conditions:
Neurofibromatosis, type 1 (NF1). Also called: VON RECKLINGHAUSEN DISEASE; Peripheral type neurofibromatosis; NEUROFIBROMATOSIS, TYPE I, SOMATIC; Neurofibromatosis, type I. Identifiers: Orphanet 636, MedGen C0027831, MONDO:0018975, OMIM 162200. Disease mechanism: loss of function.

Submission:

Labcorp Genetics (formerly Invitae), Labcorp
Classification: Pathogenic for Neurofibromatosis, type 1. Last evaluated: 2020-01-25. Review status: criteria provided, single submitter. Criteria: Invitae Variant Classification Sherloc (09022015). Collection method: clinical testing. Allele origin: germline.
Comment: Algorithms developed to predict the effect of sequence changes on RNA splicing suggest that this variant may create or strengthen a splice site, but this prediction has not been confirmed by published transcriptional studies. Loss-of-function variants in NF1 are known to be pathogenic (PMID: 10712197, 23913538). For these reasons, this variant has been classified as Pathogenic. This variant has not been reported in the literature in individuals with NF1-related conditions. This sequence change creates a premature translational stop signal (p.Ser1891_Lys1892delinsArg*) in the NF1 gene. It is expected to result in an absent or disrupted protein product. This variant is not present in population databases (ExAC no frequency).

Literature cited by the submitters: PubMed 10712197; PubMed 23913538.

NM_001042492.3(NF1):c.5736_5737delinsAT (p.Ser1912_Lys1913delinsArgTer)

Gene: NF1 (neurofibromin 1; plus strand). Cytogenetic location: 17q11.2.
Variant type: Indel.
Coding change: c.5736_5737delinsAT on transcript NM_001042492.3 (MANE Select); coding-DNA positions 5736 to 5737, TA replaced by AT.
Protein change: p.Ser1912_Lys1913delinsArgTer.
Molecular consequence: nonsense.
Genome position (GRCh38, 1-based): chr17:31,330,422-31,330,423, TA replaced by AT. VCF-style: chr17-31330422-TA-AT. GRCh37 (hg19) VCF-style: chr17-29657440-TA-AT.
Other names: c.5673_5674delTAinsAT, p.Ser1891_Lys1892delinsArgTer (NM_000267.4).
Identifiers: ClinVar variation 1074730 (VCV001074730.5), dbSNP rs2151544798, ClinGen allele CA2499224175.